The following is an entry in ClinVar:

NM_004519.4(KCNQ3):c.1292G>A (p.Arg431His)

Gene: KCNQ3 (potassium voltage-gated channel subfamily Q member 3; minus strand). Cytogenetic location: 8q24.22.
Variant type: single nucleotide variant.
Coding change: c.1292G>A on transcript NM_004519.4 (MANE Select); coding-DNA position 1292, G replaced by A.
Protein change: p.Arg431His; replaces arginine 431 with histidine.
Molecular consequence: missense variant.
Genome position (GRCh38, 1-based): chr8:132,141,302, C>T on the plus strand (G>A on the coding strand, the complement: KCNQ3 is on the minus strand). VCF-style: chr8-132141302-C-T. GRCh37 (hg19) VCF-style: chr8-133153549-C-T.
Other names: c.932G>A, p.Arg311His (NM_001204824.2); short protein forms R311H, R431H.
Identifiers: ClinVar variation 1326421 (VCV001326421.4), dbSNP rs2130944718, ClinGen allele CA372220402.
Genomic context (GRCh38, chr8:132,141,302, plus strand): 5'-TCTACATTCAGAGGGGTAAATAGCTTTCCTTTAGTATTGCTACCACGAGGATTAGAAAGG[C>T]GAACCCGATCCAAGAGACCCAGCTTTTGGCTACAAAATAAGCAAAAGTGAACAATTTTCC-3'
Protein context (NP_004510.1, residues 421-441): SQKLGLLDRV[Arg431His]LSNPRGSNTK

ClinVar aggregate classification (germline): Uncertain significance. Review status: criteria provided, multiple submitters, no conflicts (2 of 4 stars). 2 submissions from 2 submitters: Uncertain significance (2). Last evaluated 2025-12-08.

Conditions:
Inborn genetic diseases. Identifiers: MedGen C0950123, MeSH D030342.

Allele frequency attached by ClinVar (database versions not stated): gnomAD exomes below 0.00001.
gnomAD v4.1: 2 of 1,614,078 alleles (0.00012%); highest among the groups gnomAD compares: Non-Finnish European, 0.00017%; no homozygotes.

Submissions (2):

Ambry Genetics
Classification: Uncertain significance for Inborn genetic diseases. Last evaluated: 2025-12-08. Review status: criteria provided, single submitter. Criteria: Ambry Variant Classification Scheme 2023. Collection method: clinical testing. Allele origin: germline.

GeneDx
Classification: Uncertain significance. Last evaluated: 2022-06-24. Review status: criteria provided, single submitter. Criteria: GeneDx Variant Classification Process June 2021. Collection method: clinical testing. Allele origin: germline. Affected: yes.
Comment: Not observed at significant frequency in large population cohorts (gnomAD); In silico analysis supports that this missense variant has a deleterious effect on protein structure/function; Has not been previously published as pathogenic or benign to our knowledge